The following is an entry in ClinVar:

NM_021098.3(CACNA1H):c.520C>G (p.Leu174Val)

Gene: CACNA1H (calcium voltage-gated channel subunit alpha1 H; plus strand). Cytogenetic location: 16p13.3.
Variant type: single nucleotide variant.
Coding change: c.520C>G on transcript NM_021098.3 (MANE Select); coding-DNA position 520, C replaced by G.
Protein change: p.Leu174Val; replaces leucine 174 with valine.
Molecular consequence: missense variant.
Genome position (GRCh38, 1-based): chr16:1,195,540, C>G. VCF-style: chr16-1195540-C-G. GRCh37 (hg19) VCF-style: chr16-1245540-C-G.
Other names: c.520C>G, p.Leu174Val (NM_001005407.2); short protein forms L174V.
Identifiers: ClinVar variation 4086641 (VCV004086641.1).
Genomic context (GRCh38, chr16:1,195,540, plus strand): 5'-AAGATGGTGGCCTTGGGGCTGTTCGGGCAGAAGTGTTACCTGGGTGACACGTGGAACAGG[C>G]TGGATTTCTTCATCGTCGTGGCGGGGTAGGCCCCGCCTGGGAGAGGCCACAGCGCTGGCG-3'
Protein context (NP_066921.2, residues 164-184): KCYLGDTWNR[Leu174Val]DFFIVVAGMM

ClinVar aggregate classification (germline): Uncertain significance (1 of 4 stars; one submission).

Submission:

GeneDx
Classification: Uncertain significance. Last evaluated: 2025-03-18. Review status: criteria provided, single submitter. Criteria: GeneDx Variant Classification Process June 2021. Collection method: clinical testing. Allele origin: germline. Affected: yes.
Comment: Not observed at significant frequency in large population cohorts (gnomAD); In silico analysis supports that this missense variant has a deleterious effect on protein structure/function; Has not been previously published as pathogenic or benign to our knowledge